The following is an entry in ClinVar:

NM_002168.4(IDH2):c.1354C>G (p.Gln452Glu)

Gene: IDH2 (isocitrate dehydrogenase (NADP(+)) 2; minus strand). Cytogenetic location: 15q26.1.
Variant type: single nucleotide variant.
Coding change: c.1354C>G on transcript NM_002168.4 (MANE Select); coding-DNA position 1354, C replaced by G.
Protein change: p.Gln452Glu; replaces glutamine 452 with glutamic acid.
Molecular consequence: missense variant.
Genome position (GRCh38, 1-based): chr15:90,084,271, G>C on the plus strand (C>G on the coding strand, the complement: IDH2 is on the minus strand). VCF-style: chr15-90084271-G-C. GRCh37 (hg19) VCF-style: chr15-90627503-G-C.
Other names: c.1198C>G, p.Gln400Glu (NM_001289910.1); c.964C>G, p.Gln322Glu (NM_001290114.2); short protein forms Q400E, Q322E, Q452E.
Identifiers: ClinVar variation 934685 (VCV000934685.10), dbSNP rs553627406, ClinGen allele CA7732868.
Genomic context (GRCh38, chr15:90,084,271, plus strand): 5'-GGACCCGCCGGCTCAGCCCTGGCCCCTCCACTGCAGCCATGGGTGGCGCCTCCCCCTACT[G>C]CCTGCCCAGGGCTCTGTCCAGGTTGCTCTTGATGGTGTCGAGGAAGTCCGTGGTGTTCAG-3'
Protein context (NP_002159.2, residues 442-452): KSNLDRALGR[Gln452Glu]

ClinVar aggregate classification (germline): Uncertain significance (1 of 4 stars; one submission).

Conditions:
D-2-hydroxyglutaric aciduria 2 (D2HGA2). Identifiers: Orphanet 79315, MedGen C3150909, MONDO:0013345, OMIM 613657.

Allele frequency attached by ClinVar (database versions not stated): gnomAD exomes below 0.00001 and 0.00002; gnomAD 0.00001; ExAC 0.00003; 1000 Genomes Project 30x 0.00016; 1000 Genomes Project 0.00020.
gnomAD v4.1: 8 of 1,613,686 alleles (0.0005%); highest among the groups gnomAD compares: East Asian, 0.016%; no homozygotes.

Submission:

Labcorp Genetics (formerly Invitae), Labcorp
Classification: Uncertain significance for D-2-hydroxyglutaric aciduria 2. Last evaluated: 2019-06-05. Review status: criteria provided, single submitter. Criteria: Invitae Variant Classification Sherloc (09022015). Collection method: clinical testing. Allele origin: germline.
Comment: In summary, the available evidence is currently insufficient to determine the role of this variant in disease. Therefore, it has been classified as a Variant of Uncertain Significance. Algorithms developed to predict the effect of missense changes on protein structure and function (SIFT, PolyPhen-2, Align-GVGD) all suggest that this variant is likely to be tolerated, but these predictions have not been confirmed by published functional studies and their clinical significance is uncertain. This variant has not been reported in the literature in individuals with IDH2-related conditions. This variant is present in population databases (rs553627406, ExAC 0.05%). This sequence change replaces glutamine with glutamic acid at codon 452 of the IDH2 protein (p.Gln452Glu). The glutamine residue is weakly conserved and there is a small physicochemical difference between glutamine and glutamic acid.